The following is an entry in ClinVar:

ClinVar aggregate classification (germline): Uncertain significance (1 of 4 stars; one submission).

Conditions:
MEGF8-related Carpenter syndrome. Also called: Carpenter syndrome 2. Identifiers: Orphanet 65759, MedGen C3554247, MONDO:0013998, OMIM 614976.

Allele frequency attached by ClinVar (database versions not stated): gnomAD exomes 0.00001 and 0.00003; gnomAD 0.00003 and 0.00004; TOPMed 0.00003; ExAC 0.00005.
gnomAD v4.1: 25 of 1,610,218 alleles (0.0016%); highest among the groups gnomAD compares: Admixed American, 0.012%; no homozygotes.

Submission:

Labcorp Genetics (formerly Invitae), Labcorp
Classification: Uncertain significance for MEGF8-related Carpenter syndrome. Last evaluated: 2020-12-08. Review status: criteria provided, single submitter. Criteria: Invitae Variant Classification Sherloc (09022015). Collection method: clinical testing. Allele origin: germline.
Comment: This sequence change replaces arginine with cysteine at codon 2407 of the MEGF8 protein (p.Arg2407Cys). The arginine residue is moderately conserved and there is a large physicochemical difference between arginine and cysteine. In summary, the available evidence is currently insufficient to determine the role of this variant in disease. Therefore, it has been classified as a Variant of Uncertain Significance. Algorithms developed to predict the effect of missense changes on protein structure and function are either unavailable or do not agree on the potential impact of this missense change (SIFT: "Deleterious"; PolyPhen-2: "Probably Damaging"; Align-GVGD: "Class C0"). This variant has not been reported in the literature in individuals with MEGF8-related conditions. This variant is present in population databases (rs753671779, ExAC 0.008%).

NM_001271938.2(MEGF8):c.7420C>T (p.Arg2474Cys)

Gene: MEGF8 (multiple EGF like domains 8; plus strand). Cytogenetic location: 19q13.2.
Variant type: single nucleotide variant.
Coding change: c.7420C>T on transcript NM_001271938.2 (MANE Select); coding-DNA position 7420, C replaced by T.
Protein change: p.Arg2474Cys; replaces arginine 2474 with cysteine.
Molecular consequence: missense variant.
Genome position (GRCh38, 1-based): chr19:42,375,657, C>T. VCF-style: chr19-42375657-C-T. GRCh37 (hg19) VCF-style: chr19-42879809-C-T.
Other names: c.7219C>T, p.Arg2407Cys (NM_001410.3); short protein forms R2407C, R2474C.
Identifiers: ClinVar variation 1347889 (VCV001347889.8), dbSNP rs753671779, ClinGen allele CA9476171.
Genomic context (GRCh38, chr19:42,375,657, plus strand): 5'-GACCCCACGTCCCAGACCAACTGCTTCCATGAGCCCAAACGCCGGGCGCTAGGCCCCGGC[C>T]GCACTGTCCTCTTTGGCGTGCAGCCCAAATTCACCAACGTGGACATCCGCCTGACGCTGG-3'
Protein context (NP_001258867.1, residues 2464-2484): EPKRRALGPG[Arg2474Cys]TVLFGVQPKF